The following is an entry in ClinVar:

NM_001374736.1(DST):c.20622A>C (p.Lys6874Asn)

Gene: DST (dystonin; minus strand). Cytogenetic location: 6p12.1.
Variant type: single nucleotide variant.
Coding change: c.20622A>C on transcript NM_001374736.1 (MANE Select); coding-DNA position 20622, A replaced by C.
Protein change: p.Lys6874Asn; replaces lysine 6874 with asparagine.
Molecular consequence: missense variant.
Genome position (GRCh38, 1-based): chr6:56,492,362, T>G on the plus strand (A>C on the coding strand, the complement: DST is on the minus strand). VCF-style: chr6-56492362-T-G. GRCh37 (hg19) VCF-style: chr6-56357160-T-G.
Other names: c.14265A>C, p.Lys4755Asn (NM_001144769.5); c.13851A>C, p.Lys4617Asn (NM_001144770.2); c.20622A>C, p.Lys6874Asn (NM_001374722.1); c.19662A>C, p.Lys6554Asn (NM_001374729.1); c.13404A>C, p.Lys4468Asn (NM_001374730.1); c.20649A>C, p.Lys6883Asn (NM_001374734.1); c.13731A>C, p.Lys4577Asn (NM_001386100.1, NM_183380.4); c.12753A>C, p.Lys4251Asn (NM_015548.5); short protein forms K4468N, K6874N, K6883N, K4577N, K4755N, K6554N, K4251N, K4617N.
Identifiers: ClinVar variation 2100805 (VCV002100805.4), dbSNP rs2533936787, ClinGen allele CA364515440.

ClinVar aggregate classification (germline): Uncertain significance (1 of 4 stars; one submission).

Conditions:
Hereditary sensory and autonomic neuropathy type 6. Also called: HSAN VI; Neuropathy, hereditary sensory and autonomic, type VI. Identifiers: Orphanet 314381, MedGen C3539003, MONDO:0013839, OMIM 614653.
Epidermolysis bullosa simplex 3, localized or generalized intermediate, with BP230 deficiency (EBS3). Also called: Epidermolysis bullosa simplex due to BP230 deficiency; Epidermolysis bullosa simplex, autosomal recessive 2. Identifiers: Orphanet 412181, MedGen C3809470, MONDO:0014180, OMIM 615425.

Submission:

Labcorp Genetics (formerly Invitae), Labcorp
Classification: Uncertain significance for Epidermolysis bullosa simplex 3, localized or generalized intermediate, with BP230 deficiency; Hereditary sensory and autonomic neuropathy type 6. Last evaluated: 2022-02-21. Review status: criteria provided, single submitter. Criteria: Invitae Variant Classification Sherloc (09022015). Collection method: clinical testing. Allele origin: germline.
Comment: The DST gene has multiple clinically relevant transcripts. This variant occurs in alternate transcript NM_015548.4, and corresponds to NM_001723.5:c.*123155A>C in the primary transcript. This sequence change replaces lysine, which is basic and polar, with asparagine, which is neutral and polar, at codon 4251 of the DST protein (p.Lys4251Asn). This variant is not present in population databases (gnomAD no frequency). This variant has not been reported in the literature in individuals affected with DST-related conditions. Experimental studies and prediction algorithms are not available or were not evaluated, and the functional significance of this variant is currently unknown. In summary, the available evidence is currently insufficient to determine the role of this variant in disease. Therefore, it has been classified as a Variant of Uncertain Significance.